The following is an entry in ClinVar:

NM_001386140.1(MTTP):c.502G>A (p.Val168Ile)

Gene: MTTP (microsomal triglyceride transfer protein; plus strand). Cytogenetic location: 4q23.
Variant type: single nucleotide variant.
Coding change: c.502G>A on transcript NM_001386140.1 (MANE Select); coding-DNA position 502, G replaced by A.
Protein change: p.Val168Ile; replaces valine 168 with isoleucine.
Molecular consequence: missense variant.
Genome position (GRCh38, 1-based): chr4:99,591,235, G>A. VCF-style: chr4-99591235-G-A. GRCh37 (hg19) VCF-style: chr4-100512392-G-A.
Other names: c.502G>A, p.Val168Ile (NM_000253.4); c.253G>A, p.Val85Ile (NM_001300785.2); short protein forms V168I, V85I.
Identifiers: ClinVar variation 347025 (VCV000347025.57), dbSNP rs61750974, ClinGen allele CA3021874.

ClinVar aggregate classification (germline): Benign/Likely benign. Review status: criteria provided, multiple submitters, no conflicts (2 of 4 stars). 12 submissions from 12 submitters: Benign (5); Likely benign (3). 4 of the submissions do not count toward it. Last evaluated 2026-07-01.

Conditions:
Abetalipoproteinaemia (ABL). Also called: Abetalipoproteinemia; Abetalipoproteinemia neuropathy; Apolipoprotein B deficiency; Congenital betalipoprotein deficiency syndrome; MTP DEFICIENCY. Identifiers: Orphanet 14, MedGen C0000744, MONDO:0008692, OMIM 200100, HP:0008181.

Allele frequency attached by ClinVar (database versions not stated): TOPMed 0.00721; gnomAD 0.00763 and 0.00790; ESP Exome Variant Server 0.00777; 1000 Genomes Project 0.00779; 1000 Genomes Project 30x 0.00781; gnomAD exomes 0.00960 and 0.01021; ExAC 0.01018.
gnomAD v4.1: 15,219 of 1,597,040 alleles (0.95%); highest among the groups gnomAD compares: Middle Eastern, 1.8%; 110 homozygotes.

Submissions (12):

CeGaT Center for Human Genetics Tuebingen
Classification: Benign. Last evaluated: 2026-07-01. Review status: criteria provided, single submitter. Criteria: CeGaT Center For Human Genetics Tuebingen Variant Classification Criteria Version 2. Collection method: clinical testing. Allele origin: germline. Affected: yes. Observed: 7 variant alleles.
Comment: MTTP: BP4, BS1, BS2

Labcorp Genetics (formerly Invitae), Labcorp
Classification: Benign. Last evaluated: 2026-02-02. Review status: criteria provided, single submitter. Criteria: Invitae Variant Classification Sherloc (09022015). Collection method: clinical testing. Allele origin: germline.

Mayo Clinic Laboratories, Mayo Clinic
Classification: Benign. Last evaluated: 2022-06-17. Review status: criteria provided, single submitter. Criteria: ACMG Guidelines, 2015. Collection method: clinical testing. Allele origin: germline. Observed: 34 variant alleles.

Genome-Nilou Lab
Classification: Benign for Abetalipoproteinaemia. Last evaluated: 2021-05-18. Review status: criteria provided, single submitter. Criteria: ACMG Guidelines, 2015. Collection method: clinical testing. Allele origin: germline. Affected: no.

GeneDx
Classification: Likely benign. Last evaluated: 2020-02-06. Review status: criteria provided, single submitter. Criteria: GeneDx Variant Classification Process June 2021. Collection method: clinical testing. Allele origin: germline. Affected: yes.

Illumina Laboratory Services, Illumina
Classification: Benign for Abetalipoproteinaemia. Last evaluated: 2018-01-13. Review status: criteria provided, single submitter. Criteria: ICSL Variant Classification Criteria 13 December 2019. Collection method: clinical testing. Allele origin: germline.
Comment: This variant was observed in the ICSL laboratory as part of a predisposition screen in an ostensibly healthy population. It had not been previously curated by ICSL or reported in the Human Gene Mutation Database (HGMD: prior to June 1st, 2018), and was therefore a candidate for classification through an automated scoring system. Utilizing variant allele frequency, disease prevalence and penetrance estimates, and inheritance mode, an automated score was calculated to assess if this variant is too frequent to cause the disease. Based on the score and internal cut-off values, a variant classified as benign is not then subjected to further curation. The score for this variant resulted in a classification of benign for this disease.

Genome Diagnostics Laboratory, University Medical Center Utrecht
Classification: Likely benign for Abetalipoproteinaemia. Last evaluated: 2015-12-09. Review status: criteria provided, single submitter. Criteria: ACGS Guidelines, 2013. Collection method: clinical testing. Allele origin: germline. Affected: yes. Study: VKGL Data-share Consensus.

Breakthrough Genomics
Classification: Likely benign. Review status: criteria provided, single submitter. Criteria: ACMG Guidelines, 2015. Collection method: not provided. Allele origin: germline. Inheritance: Autosomal recessive inheritance. Affected: yes.

Natera, Inc.
Classification: Benign for Abetalipoproteinemia. Last evaluated: 2020-01-06. Review status: no assertion criteria provided. Collection method: clinical testing. Allele origin: germline. Not counted in ClinVar's aggregate classification.

Clinical Genetics, Academic Medical Center
Classification: Benign. Review status: no assertion criteria provided. Collection method: clinical testing. Allele origin: germline. Affected: yes. Study: VKGL Data-share Consensus. Not counted in ClinVar's aggregate classification.

Diagnostic Laboratory, Department of Genetics, University Medical Center Groningen
Classification: Likely benign for Abetalipoproteinaemia. Review status: no assertion criteria provided. Collection method: clinical testing. Allele origin: germline. Affected: yes. Study: VKGL Data-share Consensus. Not counted in ClinVar's aggregate classification.

Laboratory of Diagnostic Genome Analysis, Leiden University Medical Center (LUMC)
Classification: Likely benign. Review status: no assertion criteria provided. Collection method: clinical testing. Allele origin: germline. Affected: yes. Study: VKGL Data-share Consensus. Not counted in ClinVar's aggregate classification.